The following is an entry in ClinVar:

ClinVar aggregate classification (germline): Conflicting classifications of pathogenicity. Review status: criteria provided, conflicting classifications (1 of 4 stars). 5 submissions from 5 submitters: Uncertain significance (1); Benign (1); Likely benign (3). Last evaluated 2026-02-03.

Conditions:
Hypertrophic cardiomyopathy 10. Also called: CARDIOMYOPATHY, HYPERTROPHIC, MID-LEFT VENTRICULAR CHAMBER TYPE, 2; MYL2-Related Familial Hypertrophic Cardiomyopathy. Identifiers: MedGen C1834460, MONDO:0012112, OMIM 608758.
Cardiomyopathy (CMYO). Also called: Cardiomyopathies. Identifiers: Orphanet 167848, MedGen C0878544, MONDO:0004994, HP:0001638. Inheritance: Various modes of inheritance.

Allele frequency attached by ClinVar (database versions not stated): gnomAD exomes 0.00002 and 0.00005; ExAC 0.00007; ESP Exome Variant Server 0.00023; gnomAD 0.00024 and 0.00025; TOPMed 0.00024; 1000 Genomes Project 30x 0.00031; 1000 Genomes Project 0.00040.

Submissions (5):

Labcorp Genetics (formerly Invitae), Labcorp
Classification: Likely benign for Hypertrophic cardiomyopathy 10. Last evaluated: 2026-02-03. Review status: criteria provided, single submitter. Criteria: Invitae Variant Classification Sherloc (09022015). Collection method: clinical testing. Allele origin: germline.

Women's Health and Genetics/Laboratory Corporation of America, LabCorp
Classification: Benign. Last evaluated: 2022-10-31. Review status: criteria provided, single submitter. Criteria: LabCorp Variant Classification Summary - May 2015. Collection method: clinical testing. Allele origin: germline.
Comment: Variant summary: MYL2 c.275-14G>C alters a nucleotide located close to a canonical splice site and therefore could affect mRNA splicing, leading to a significantly altered protein sequence. 4/4 computational tools predict no significant impact on normal splicing. However, these predictions have yet to be confirmed by functional studies. The variant allele was found at a frequency of 5.2e-05 in 251456 control chromosomes, predominantly at a frequency of 0.00068 within the African or African-American subpopulation in the gnomAD database. The observed variant frequency within African or African-American control individuals in the gnomAD database is approximately 9 fold of the estimated maximal expected allele frequency for a pathogenic variant in MYL2 causing Hypertrophic Cardiomyopathy phenotype (7.5e-05), strongly suggesting that the variant is a benign polymorphism found primarily in populations of African or African-American origin. c.275-14G>C has been reported in the literature as a VUS in a setting of multigene testing in an individual affected with Hypertrophic Cardiomyopathy (e.g. Burstein_2021). This report does not provide unequivocal conclusions about association of the variant with Hypertrophic Cardiomyopathy. To our knowledge, no experimental evidence demonstrating an impact on protein function has been reported. Four clinical diagnostic laboratories have submitted clinical-significance assessments for this variant to ClinVar after 2014. Three laboratories classified the variant as likely benign and one classified it as VUS. Based on the evidence outlined above, the variant was classified as benign.

Color Diagnostics, LLC DBA Color Health
Classification: Likely benign for Cardiomyopathy. Last evaluated: 2018-11-16. Review status: criteria provided, single submitter. Criteria: ACMG Guidelines, 2015. Collection method: clinical testing. Allele origin: germline.

GeneDx
Classification: Likely benign. Last evaluated: 2017-03-22. Review status: criteria provided, single submitter. Criteria: GeneDx Variant Classification (06012015). Collection method: clinical testing. Allele origin: germline. Affected: yes.
Comment: This variant is considered likely benign or benign based on one or more of the following criteria: it is a conservative change, it occurs at a poorly conserved position in the protein, it is predicted to be benign by multiple in silico algorithms, and/or has population frequency not consistent with disease.

Laboratory for Molecular Medicine, Mass General Brigham Personalized Medicine
Classification: Uncertain significance. Last evaluated: 2015-04-13. Review status: criteria provided, single submitter. Criteria: LMM Criteria. Collection method: clinical testing. Allele origin: germline. Observed: 1 variant allele.
Comment: The c.275-14G>C variant in MYL2 has not been previously reported in individuals with cardiomyopathy, but has been identified in 8/10392 of African chromosomes b y the Exome Aggregation Consortium (ExAC; dbSNP rs375703502). This variant is located in the 3' splice region. Computational too ls do not suggest an impact to splicing; however, this information is not predic tive enough to rule out pathogenicity. In summary, the clinical significance of the c.275-14G>C variant is uncertain.

Literature cited by the submitters: PubMed 32746448 (cited by Women's Health and Genetics/Laboratory Corporation of America, LabCorp).

NM_000432.4(MYL2):c.275-14G>C

Gene: MYL2 (myosin light chain 2; minus strand). Cytogenetic location: 12q24.11.
Variant type: single nucleotide variant.
Coding change: c.275-14G>C on transcript NM_000432.4 (MANE Select); 14 bases into the intron before coding-DNA position 275, G replaced by C.
Molecular consequence: intron variant.
Genome position (GRCh38, 1-based): chr12:110,913,338, C>G on the plus strand (G>C on the coding strand, the complement: MYL2 is on the minus strand). VCF-style: chr12-110913338-C-G. GRCh37 (hg19) VCF-style: chr12-111351142-C-G.
Identifiers: ClinVar variation 228933 (VCV000228933.16), dbSNP rs375703502, ClinGen allele CA041202.